The following is an entry in ClinVar:

NM_001365999.1(SZT2):c.1103G>A (p.Arg368His)

Gene: SZT2 (SZT2 subunit of KICSTOR complex; plus strand). Cytogenetic location: 1p34.2.
Variant type: single nucleotide variant.
Coding change: c.1103G>A on transcript NM_001365999.1 (MANE Select); coding-DNA position 1103, G replaced by A.
Protein change: p.Arg368His; replaces arginine 368 with histidine.
Molecular consequence: missense variant.
Genome position (GRCh38, 1-based): chr1:43,420,165, G>A. VCF-style: chr1-43420165-G-A. GRCh37 (hg19) VCF-style: chr1-43885836-G-A.
Other names: c.1103G>A, p.Arg368His (NM_015284.4); short protein forms R368H.
Identifiers: ClinVar variation 964505 (VCV000964505.11), dbSNP rs757178219, ClinGen allele CA808339.

ClinVar aggregate classification (germline): Uncertain significance. Review status: criteria provided, multiple submitters, no conflicts (2 of 4 stars). 3 submissions from 3 submitters: Uncertain significance (3). Last evaluated 2025-04-14.

Conditions:
Developmental and epileptic encephalopathy, 18 (DEE18). Also called: Early infantile epileptic encephalopathy 18. Identifiers: Orphanet 369894, MedGen C3809624, MONDO:0014201, OMIM 615476.

Allele frequency attached by ClinVar (database versions not stated): TOPMed 0.00001.
gnomAD v4.1: 14 of 1,598,322 alleles (0.00088%); highest among the groups gnomAD compares: Admixed American, 0.0033%; no homozygotes.

Submissions (3):

Labcorp Genetics (formerly Invitae), Labcorp
Classification: Uncertain significance. Last evaluated: 2025-04-14. Review status: criteria provided, single submitter. Criteria: Invitae Variant Classification Sherloc (09022015). Collection method: clinical testing. Allele origin: germline.
Comment: This sequence change replaces arginine, which is basic and polar, with histidine, which is basic and polar, at codon 368 of the SZT2 protein (p.Arg368His). This variant is present in population databases (rs757178219, gnomAD 0.006%). This variant has not been reported in the literature in individuals affected with SZT2-related conditions. ClinVar contains an entry for this variant (Variation ID: 964505). Invitae Evidence Modeling of protein sequence and biophysical properties (such as structural, functional, and spatial information, amino acid conservation, physicochemical variation, residue mobility, and thermodynamic stability) indicates that this missense variant is not expected to disrupt SZT2 protein function with a negative predictive value of 80%. In summary, the available evidence is currently insufficient to determine the role of this variant in disease. Therefore, it has been classified as a Variant of Uncertain Significance.

GeneDx
Classification: Uncertain significance. Last evaluated: 2023-09-28. Review status: criteria provided, single submitter. Criteria: GeneDx Variant Classification Process June 2021. Collection method: clinical testing. Allele origin: germline. Affected: yes.
Comment: Not observed at significant frequency in large population cohorts (gnomAD); In silico analysis supports that this missense variant does not alter protein structure/function; Has not been previously published as pathogenic or benign to our knowledge

Genome-Nilou Lab
Classification: Uncertain significance for Developmental and epileptic encephalopathy, 18. Last evaluated: 2023-04-11. Review status: criteria provided, single submitter. Criteria: ACMG Guidelines, 2015. Collection method: clinical testing. Allele origin: germline. Affected: no.